The following is an entry in ClinVar:

NM_000059.4(BRCA2):c.5644_5647del (p.Ser1882fs)

Gene: BRCA2 (BRCA2 DNA repair associated; plus strand). Cytogenetic location: 13q13.1.
Variant type: Deletion.
Coding change: c.5644_5647del on transcript NM_000059.4 (MANE Select); coding-DNA positions 5644 to 5647, 4 bases deleted (TCAA; older notation c.5644_5647delTCAA).
Protein change: p.Ser1882fs; shifts the reading frame from serine 1882.
Molecular consequence: frameshift variant.
Genome position (GRCh38, 1-based): chr13:32,339,999-32,340,002, TCAA deleted; deleting any 4 consecutive bases within chr13:32,339,997-32,340,002 gives the same sequence; the c. name uses the placement nearest the transcript's 3' end. VCF-style (leftmost placement, unchanged base first): chr13-32339996-AAATC-A. GRCh37 (hg19) VCF-style: chr13-32914133-AAATC-A.
Other names: c.5644_5647delTCAA (NM_000059.3); short protein forms S1882fs.
Identifiers: ClinVar variation 254561 (VCV000254561.20), dbSNP rs1555284326, ClinGen allele CA022803.
Genomic context (GRCh38, chr13:32,339,996, plus strand): 5'-AAAGTGAAAGACATATTTACAGACAGTTTCAGTAAAGTAATTAAGGAAAACAACGAGAAT[AAATC>A]AAAAATTTGCCAAACGAAAATTATGGCAGGTTGTTACGAGGCATTGGATGATTCAGAGGA-3'

ClinVar aggregate classification (germline): Pathogenic. Review status: reviewed by expert panel (3 of 4 stars). 6 submissions from 6 submitters: Pathogenic (1). 5 of the submissions do not count toward it. Last evaluated 2016-09-08.

Conditions:
Hereditary cancer-predisposing syndrome. Also called: Tumor predisposition; Hereditary neoplastic syndrome; Hereditary Cancer Syndrome; Neoplastic Syndromes, Hereditary. Identifiers: Orphanet 140162, MedGen C0027672, MeSH D009386, MONDO:0015356.
Hereditary breast ovarian cancer syndrome. Also called: Hereditary breast and/or ovarian cancer syndrome; Breast and ovarian cancer; Hereditary breast and ovarian cancer; Hereditary breast and ovarian cancer syndrome; Hereditary breast and ovarian cancer syndrome (HBOC); BRCA1- and BRCA2-Associated Hereditary Breast and Ovarian Cancer. Identifiers: Orphanet 145, MedGen C0677776, MeSH D061325, MONDO:0003582. Disease mechanism: loss of function.
Breast-ovarian cancer, familial, susceptibility to, 2 (BROVCA2). Also called: BRCA2 Hereditary Breast and Ovarian Cancer. Identifiers: Orphanet 145, MedGen C2675520, MONDO:0012933, OMIM 612555. Disease mechanism: loss of function.
Familial cancer of breast. Also called: BREAST CANCER, FAMILIAL; Hereditary breast cancer; hereditary breast carcinoma. Identifiers: Orphanet 227535, MedGen C0346153, MONDO:0016419, OMIM 114480. Disease mechanism: loss of function.

Submissions (6):

Evidence-based Network for the Interpretation of Germline Mutant Alleles (ENIGMA)
Classification: Pathogenic for Breast-ovarian cancer, familial, susceptibility to, 2. Last evaluated: 2016-09-08. Review status: reviewed by expert panel. Criteria: ENIGMA BRCA1/2 Classification Criteria (2015). Collection method: curation. Allele origin: germline.
Comment: Variant allele predicted to encode a truncated non-functional protein.

Dasa
Classification: Pathogenic for Breast-ovarian cancer, familial, susceptibility to, 2. Last evaluated: 2025-09-22. Review status: criteria provided, single submitter. Criteria: DASA Assertion Criteria. Collection method: clinical testing. Allele origin: germline. Not counted in ClinVar's aggregate classification.
Comment: NM_000059.4(BRCA2):c.5644_5647del (p.Ser1882Lysfs*26) is a frameshift variant in BRCA2 predicted to alter the reading frame and introduce a premature termination codon and is predicted to result in an absent or altered protein product. Loss of function is an established disease mechanism for BRCA2 (PMID: 16199546; PMID: 17063271; PMID: 25632310). The affected residue or protein region has prior evidence supporting clinical relevance. Published studies describe this variant in association with Breast-ovarian cancer, familial, susceptibility to, 2 (PMID: 29907814; PMID: 29116469). Also, this variant is absent from population databases. Based on the currently available evidence, this variant is classified as pathogenic.

Labcorp Genetics (formerly Invitae), Labcorp
Classification: Pathogenic for Hereditary breast ovarian cancer syndrome. Last evaluated: 2024-06-28. Review status: criteria provided, single submitter. Criteria: Invitae Variant Classification Sherloc (09022015). Collection method: clinical testing. Allele origin: germline. Not counted in ClinVar's aggregate classification.
Comment: This sequence change creates a premature translational stop signal (p.Ser1882Lysfs*26) in the BRCA2 gene. It is expected to result in an absent or disrupted protein product. Loss-of-function variants in BRCA2 are known to be pathogenic (PMID: 20104584). This variant is not present in population databases (gnomAD no frequency). This premature translational stop signal has been observed in individual(s) with breast cancer (PMID: 29907814). ClinVar contains an entry for this variant (Variation ID: 254561). For these reasons, this variant has been classified as Pathogenic.

Ambry Genetics
Classification: Pathogenic for Hereditary cancer-predisposing syndrome. Last evaluated: 2024-04-04. Review status: criteria provided, single submitter. Criteria: Ambry Variant Classification Scheme 2023. Collection method: clinical testing. Allele origin: germline. Not counted in ClinVar's aggregate classification.
Comment: The c.5644_5647delTCAA pathogenic mutation, located in coding exon 10 of the BRCA2 gene, results from a deletion of 4 nucleotides at nucleotide positions 5644 to 5647, causing a translational frameshift with a predicted alternate stop codon (p.S1882Kfs*26). This variant has been reported in breast cancer patients from several cohorts (Brianese RC et al. Breast Cancer Res Treat, 2018 Feb;167:803-814; Chan GHJ et al. Oncotarget, 2018 Jul;9:30649-30660; Palmero EI et al. Sci Rep, 2018 Jun;8:9188; Ajaz S et al. Front Genet, 2022 Mar;13:820610). This variant is considered to be rare based on population cohorts in the Genome Aggregation Database (gnomAD). This alteration is expected to result in loss of function by premature protein truncation or nonsense-mediated mRNA decay. As such, this alteration is interpreted as a disease-causing mutation.

Color Diagnostics, LLC DBA Color Health
Classification: Pathogenic for Hereditary cancer-predisposing syndrome. Last evaluated: 2021-05-24. Review status: criteria provided, single submitter. Criteria: ACMG Guidelines, 2015. Collection method: clinical testing. Allele origin: germline. Not counted in ClinVar's aggregate classification.
Comment: This variant deletes 4 nucleotides in exon 11 of the BRCA2 gene, creating a frameshift and premature translation stop signal. This variant is also known as c.5642_5645delAATC in the literature and may be described as 5872delTCAA, 5872del4, 5870delAATC and 5870del4. This variant is expected to result in an absent or non-functional protein product. To our knowledge, functional studies have not been reported for this variant. This variant has been observed in two related individuals affected with breast and prostate cancer (PMID: 30875412) and a suspected hereditary breast and ovarian cancer family (PMID: 29907814). This variant has not been identified in the general population by the Genome Aggregation Database (gnomAD). Loss of BRCA2 function is a known mechanism of disease. Based on the available evidence, this variant is classified as Pathogenic.

Clinical and Functional Genomics Group, A.C.Camargo Cancer Center
Classification: Pathogenic for Hereditary Breast Carcinoma. Last evaluated: 2019-01-30. Review status: criteria provided, single submitter. Criteria: Submitter's publication. Collection method: research. Allele origin: germline. Affected: yes. Observed: 1 variant allele. Not counted in ClinVar's aggregate classification.

Literature cited by the submitters: PubMed 29907814 (cited by 3 submitters); PubMed 29116469 (cited by Dasa and Ambry Genetics); PubMed 16199546 (cited by Dasa); PubMed 17063271 (cited by Dasa); PubMed 25632310 (cited by Dasa); PubMed 20104584 (cited by Labcorp Genetics (formerly Invitae), Labcorp); PubMed 30093976 (cited by Ambry Genetics); PubMed 35356428 (cited by Ambry Genetics).